The following is an entry in ClinVar:

NM_001040108.2(MLH3):c.2363C>T (p.Pro788Leu)

Gene: MLH3 (mutL homolog 3; minus strand). Cytogenetic location: 14q24.3.
Variant type: single nucleotide variant.
Coding change: c.2363C>T on transcript NM_001040108.2 (MANE Select); coding-DNA position 2363, C replaced by T.
Protein change: p.Pro788Leu; replaces proline 788 with leucine.
Molecular consequence: missense variant.
Genome position (GRCh38, 1-based): chr14:75,047,293, G>A on the plus strand (C>T on the coding strand, the complement: MLH3 is on the minus strand). VCF-style: chr14-75047293-G-A. GRCh37 (hg19) VCF-style: chr14-75513996-G-A.
Other names: c.2363C>T, p.Pro788Leu (NM_014381.3); short protein forms P788L.
Identifiers: ClinVar variation 2448604 (VCV002448604.2), dbSNP rs1892309146, ClinGen allele CA390440860.

ClinVar aggregate classification (germline): Uncertain significance (1 of 4 stars; one submission).

Submission:

Ambry Genetics
Classification: Uncertain significance. Last evaluated: 2022-11-17. Review status: criteria provided, single submitter. Criteria: Ambry Variant Classification Scheme 2023. Collection method: clinical testing. Allele origin: germline.
Comment: The p.P788L variant (also known as c.2363C>T), located in coding exon 1 of the MLH3 gene, results from a C to T substitution at nucleotide position 2363. The proline at codon 788 is replaced by leucine, an amino acid with similar properties. This amino acid position is conserved. In addition, this alteration is predicted to be tolerated by in silico analysis. Since supporting evidence is limited at this time, the clinical significance of this alteration remains unclear.